The following is an entry in ClinVar:

ClinVar aggregate classification (germline): Likely pathogenic. Review status: criteria provided, single submitter (1 of 4 stars). 2 submissions from 1 submitter: Likely pathogenic (2). Last evaluated 2024-02-24.

Conditions:
Autosomal recessive limb-girdle muscular dystrophy type 2J (LGMDR10). Also called: Limb-girdle muscular dystrophy, type 2J; MUSCULAR DYSTROPHY, LIMB-GIRDLE, AUTOSOMAL RECESSIVE 10. Identifiers: Orphanet 140922, MedGen C1837342, MONDO:0012127, OMIM 608807.
Dilated cardiomyopathy 1G (CMD1G). Identifiers: Orphanet 154, MedGen C1858763, MONDO:0011400, OMIM 604145.

Submissions (2):

Labcorp Genetics (formerly Invitae), Labcorp
Classification: Likely pathogenic for Dilated cardiomyopathy 1G; Autosomal recessive limb-girdle muscular dystrophy type 2J. Last evaluated: 2024-02-24. Review status: criteria provided, single submitter. Criteria: Invitae Variant Classification Sherloc (09022015). Collection method: clinical testing. Allele origin: germline.
Comment: This sequence change creates a premature translational stop signal (p.Asp19883Serfs*5) in the TTN gene. While this is not anticipated to result in nonsense mediated decay, it is expected to create a truncated TTN protein. This variant is not present in population databases (gnomAD no frequency). This variant has not been reported in the literature in individuals affected with TTN-related conditions. ClinVar contains an entry for this variant (Variation ID: 238814). This variant is located in the A band of TTN (PMID: 25589632). Truncating variants in this region are significantly overrepresented in patients affected with dilated cardiomyopathy (PMID: 25589632). Truncating variants in this region have also been reported in individuals affected with autosomal recessive centronuclear myopathy (PMID: 23975875). In summary, the currently available evidence indicates that the variant is pathogenic, but additional data are needed to prove that conclusively. Therefore, this variant has been classified as Likely Pathogenic.

Labcorp Genetics (formerly Invitae), Labcorp
Classification: Likely pathogenic for Dilated cardiomyopathy 1G. Last evaluated: 2016-01-14. Review status: criteria provided, single submitter. Criteria: Invitae Variant Classification Sherloc (09022015). Collection method: clinical testing. Allele origin: germline.
Comment: This sequence change deletes 2 nucleotides in exon 302 of the TTN mRNA (c.59647_59648delGA), causing a frameshift at codon 19883. This creates a premature translational stop signal (p.Asp19883Serfs*5) and is expected to result in an absent or disrupted protein product. This variant is found in the A-band of this gene. While this particular variant has not been reported in the literature, truncating variants in the A-band of TTN are significantly overrepresented in patients with dilated cardiomyopathy and are considered to be likely pathogenic for the disease (PMID: 25589632). For these reasons, this variant has been classified as Likely Pathogenic.

Literature cited by the submitters: PubMed 25589632; PubMed 23975875.

NM_001267550.2(TTN):c.59647_59648del (p.Asp19883fs)

Genes: TTN-AS1 (TTN antisense RNA 1; plus strand), TTN (titin; minus strand), LOC126806424 (CDK7 strongly-dependent group 2 enhancer GRCh37_chr2:179456337-179457536; plus strand). Cytogenetic location: 2q31.2.
Variant type: Microsatellite.
Coding change: c.59647_59648del on transcript NM_001267550.2 (MANE Select); coding-DNA positions 59647 to 59648, 2 bases deleted (GA; older notation c.59647_59648delGA).
Protein change: p.Asp19883fs; shifts the reading frame from aspartic acid 19883.
Molecular consequence: frameshift variant.
Genome position (GRCh38, 1-based): chr2:178,592,256-178,592,257, TC deleted on the plus strand (GA on the coding strand, the reverse complement: TTN is on the minus strand); deleting any 2 consecutive bases within chr2:178,592,256-178,592,260 gives the same sequence; the c. name uses the placement nearest the transcript's 3' end. VCF-style (leftmost placement, unchanged base first): chr2-178592255-ATC-A. GRCh37 (hg19) VCF-style: chr2-179456982-ATC-A.
Other names: c.54724_54725del, p.Asp18242fs (NM_001256850.1); c.32452_32453del, p.Asp10818fs (NM_003319.4); c.51943_51944del, p.Asp17315fs (NM_133378.4); c.32827_32828del, p.Asp10943fs (NM_133432.3); c.33028_33029del, p.Asp11010fs (NM_133437.4); c.59647_59648delGA (NM_001267550.2); short protein forms D11010fs, D19883fs, D17315fs, D18242fs, D10818fs, D10943fs.
Identifiers: ClinVar variation 238814 (VCV000238814.8), dbSNP rs878854322, ClinGen allele CA10581856.